The following continues an entry in ClinVar:

NM_001164277.2(SLC37A4):c.1042_1043del (p.Leu348fs)

Gene: SLC37A4. ClinVar aggregate classification (germline): Pathogenic. Pathogenic (25).

Submissions 16 to 28 of 28:

Dasa
Classification: Pathogenic for Congenital disorder of glycosylation, type IIw. Last evaluated: 2022-08-10. Review status: criteria provided, single submitter. Criteria: ACMG Guidelines, 2015. Collection method: clinical testing. Allele origin: germline. Affected: yes. Observed: 1 variant allele.
Comment: The c.1042_1043del;p.(Leu348Valfs*53) is a null frameshift variant (NMD) in the SLC37A4 gene without sufficient information about prediction of nonsense mediated mRNA decay (NMD); it is present in a relevant exon to the transcript, and disrupts >10% of the protein product – PVS1_strong. This sequence change has been observed in affected individual(s) and ClinVar contains an entry for this variant(Clinvar ID: 6926; PMID: 20301489; 28224773; 26913919; 22899091; 15953877) - PS4. The variant is present at low allele frequencies population databases (rs80356491 – gnomAD 0.002562%; ABraOM 0.002562 frequency) -PM2_supporting.The p.(Leu348Valfs*53) was detected in trans with a pathogenic variant (PMID: 22899091; 26913919; 28224773) - PM3_strong. In summary, the currently available evidence indicates that the variant is pathogenic.

Laboratorio de Genetica e Diagnostico Molecular, Hospital Israelita Albert Einstein
Classification: Pathogenic for Glucose-6-phosphate transport defect. Last evaluated: 2021-10-26. Review status: criteria provided, single submitter. Criteria: ACMG Guidelines, 2015. Collection method: clinical testing. Allele origin: germline. Affected: yes.
Comment: ACMG classification criteria: PVS1 very strong, PS4 strong, PM2 moderate, PM3 very strong, PP1 supporting, PP4 supporting

Foundation for Research in Genetics and Endocrinology, FRIGE's Institute of Human Genetics
Classification: Pathogenic for Glucose-6-phosphate transport defect. Last evaluated: 2021-07-03. Review status: criteria provided, single submitter. Criteria: ACMG Guidelines, 2015. Collection method: clinical testing. Allele origin: unknown. Inheritance: Autosomal recessive inheritance. Affected: yes. Observed: 1 homozygote.
Comment: A homozygous 2 base pair deletion in exon 11 of the SLC37A4 gene that results in frameshift and premature truncation of the protein 53 amino acids downstream to codon 370. The observed variant c.1108_1109del (p.Leu370ValfsTer53) has not been reported in the 1000 genomes and has a MAF of 0.03% in the gnomAD databases. The in silico prediction of the variant are damaging by MutationTaster2. The reference codon is conserved across species. In summary, the variant meets our criteria to be classified as a pathogenic variant.

Breakthrough Genomics
Classification: Pathogenic for Glycogen storage disease, type I. Last evaluated: 2020-07-23. Review status: criteria provided, single submitter. Criteria: ACMG Guidelines, 2015. Collection method: clinical testing. Allele origin: germline. Affected: yes.
Comment: The SLC37A4 c.1042_1043delCT variant (also referred to as c.1211delCT in the literature) was previously reported in homozygous or compound heterozygous state in various ethnic individuals affected with glycogen storage disease and was classified as pathogenic variant [PMID: 9758626, 10026167, 10923042, 10323254, 15953877, 22899091, 26913919, 28224773]. Additionally, this variant was found to be segregated with GSDI disease phenotype in multiple family studies [PMID: 9758626, 10026167].

Myriad Genetics, Inc.
Classification: Pathogenic for Glucose-6-phosphate transport defect. Last evaluated: 2019-12-19. Review status: criteria provided, single submitter. Criteria: Myriad Women's Health Autosomal Recessive and X-Linked Classification Criteria (2019). Collection method: clinical testing. Allele origin: unknown.
Comment: NM_001164277.1(SLC37A4):c.1042_1043delCT(L348Vfs*53, aka 1211delCT) is classified as pathogenic in the context of glycogen storage disease type Ib. Sources cited for classification include the following: PMID 9758626, 10923042 and 10940311. Classification of NM_001164277.1(SLC37A4):c.1042_1043delCT(L348Vfs*53, aka 1211delCT) is based on the following criteria: The variant causes a premature termination codon that is not expected to be targeted by nonsense-mediated mRNA decay; however, literature evidence strongly supports pathogenicity. Please note: this variant was assessed in the context of healthy population screening.

Eurofins Ntd Llc (ga)
Classification: Pathogenic. Last evaluated: 2018-07-02. Review status: criteria provided, single submitter. Criteria: EGL ClinVar v180209 classification definitions. Collection method: clinical testing. Allele origin: germline. Observed: 2 variant alleles, 2 heterozygotes.

Institute of Human Genetics Munich, TUM University Hospital
Classification: Pathogenic for Glucose-6-phosphate transport defect. Last evaluated: 2017-11-20. Review status: criteria provided, single submitter. Criteria: Classification criteria August 2017. Collection method: clinical testing. Allele origin: germline. Inheritance: Autosomal recessive inheritance. Affected: yes. Observed: 1 compound heterozygote.

Women's Health and Genetics/Laboratory Corporation of America, LabCorp
Classification: Pathogenic for Glucose-6-phosphate transport defect. Last evaluated: 2017-03-14. Review status: criteria provided, single submitter. Criteria: LabCorp Variant Classification Summary - May 2015. Collection method: clinical testing. Allele origin: germline.
Comment: Variant summary: The SLC37A4 c.1042_1043delCT (p.Leu348Valfs) variant results in a premature termination codon, predicted to cause a truncated or absent SLC37A4 protein due to nonsense mediated decay, which are commonly known mechanisms for disease. This variant was found in 24/103512 control chromosomes at a frequency of 0.0002319, which does not exceed the estimated maximal expected allele frequency of a pathogenic SLC37A4 variant (0.0012247). In addition, multiple clinical diagnostic laboratories/reputable databases classified this variant as pathogenic.The variant was identified in multiple affected individuals homozygously or in compound heterozygosity in patients with clinically and biochemically confirmed Glycogen Storage Disease Type 1b (GSD1b). Multiple family studies showed segregation of this variant with GSD1b (Veiga-de-Cunha_AJHG_1998; Hiraiwa_J. Biol. Chem.-1999). Taken together, this variant is classified as pathogenic.

Laboratory for Molecular Medicine, Mass General Brigham Personalized Medicine
Classification: Pathogenic for Glycogen storage disease. Last evaluated: 2017-01-24. Review status: criteria provided, single submitter. Criteria: LMM Criteria. Collection method: clinical testing. Allele origin: germline. Inheritance: Autosomal recessive inheritance. Observed: 1 variant allele.
Comment: The p.Leu348ValfsX53 (NM_001164277.1 c.1042_1043delCT) variant in SLC37A4 (also referred to as c.1211delCT in the literature) has been reported in at least 3 ho mozygous and 10 compound heterozygous individuals with clinical features of Glyc ogen storage disease type I (GSDI) (Veiga da Cunha 1998, Janecke 1999, and Sante r 2000). This variant is reported as Pathogenic by three sources in ClinVar (Var iation ID#6926). This variant has also been identified in 13/57880 of European c hromosomes by the Exome Aggregation Consortium (ExAC .org; dbSNP rs80356491). Although this variant has been seen in the general popu lation, its frequency is low enough to be consistent with a recessive carrier fr equency. This variant is predicted to cause a frameshift, which alters the prote in?s amino acid sequence beginning at position 348 and leads to a premature term ination codon 53 amino acids downstream. This alteration is then predicted to le ad to a truncated or absent protein. Biallelic loss of function of the SLC37A4 gene has been associated with Glycogen storage disease type I (GSDI). In summary , the p.Leu348ValfsX53 variant in SLC37A4 meets criteria for pathogenic for GSDI in an autosomal recessive manner based upon its biallelic occurrence in patient s with this disease and predicted functional impact.

Ambry Genetics
Classification: Pathogenic for Inborn genetic diseases. Last evaluated: 2015-12-16. Review status: criteria provided, single submitter. Criteria: Ambry exome assertion method (8-5-2015). Collection method: clinical testing. Allele origin: germline. Affected: yes. Observed: 1 variant allele.

OMIM
Classification: Pathogenic for GLYCOGEN STORAGE DISEASE Ib. Last evaluated: 1999-03-01. Review status: no assertion criteria provided. Collection method: literature only. Allele origin: germline. Not counted in ClinVar's aggregate classification.

OMIM
Classification: Pathogenic for GLYCOGEN STORAGE DISEASE Ic. Last evaluated: 1999-03-01. Review status: no assertion criteria provided. Collection method: literature only. Allele origin: germline. Not counted in ClinVar's aggregate classification.

GeneReviews
No classification provided. Condition: Glucose-6-phosphate transport defect. Review status: no classification provided. Collection method: literature only. Allele origin: germline. Affected: yes. Not counted in ClinVar's aggregate classification.

Literature cited by the submitters: PubMed 18437526 (cited by Department of Molecular Genetics, Istishari Arab Hospital); PubMed 30609409 (cited by Department of Molecular Genetics, Istishari Arab Hospital); PubMed 37147621 (cited by Department of Molecular Genetics, Istishari Arab Hospital); PubMed 34946936 (cited by Department of Molecular Genetics, Istishari Arab Hospital); PubMed 34775139 (cited by Department of Molecular Genetics, Istishari Arab Hospital); PubMed 15953877 (cited by 3 submitters); PubMed 9758626 (cited by 5 submitters); PubMed 9781688 (cited by Department of Molecular Genetics, Istishari Arab Hospital and 3billion); PubMed 32005221 (cited by Department of Molecular Genetics, Istishari Arab Hospital); PubMed 31536830 (cited by Department of Molecular Genetics, Istishari Arab Hospital); PubMed 34426522 (cited by Department of Molecular Genetics, Istishari Arab Hospital); PubMed 10923042 (cited by 4 submitters); PubMed 22899091 (cited by Labcorp Genetics (formerly Invitae), Labcorp and Dasa); PubMed 26913919 (cited by Labcorp Genetics (formerly Invitae), Labcorp and Dasa); PubMed 28224773 (cited by Labcorp Genetics (formerly Invitae), Labcorp and Dasa); PubMed 31508908 (cited by Natera, Inc.); PubMed 20301489 (cited by Dasa); PubMed 10940311 (cited by Myriad Genetics, Inc.); PubMed 10482962 (cited by Eurofins Ntd Llc (ga)); PubMed 24646511 (cited by Women's Health and Genetics/Laboratory Corporation of America, LabCorp); PubMed 10026167 (cited by Women's Health and Genetics/Laboratory Corporation of America, LabCorp); PubMed 10323254 (cited by 3 submitters); NCBI Bookshelf NBK1312 (cited by GeneReviews).